The following is an entry in ClinVar:

ClinVar aggregate classification (germline): Uncertain significance (1 of 4 stars; one submission).

Submission:

GeneDx
Classification: Uncertain significance. Last evaluated: 2023-04-07. Review status: criteria provided, single submitter. Criteria: GeneDx Variant Classification Process June 2021. Collection method: clinical testing. Allele origin: germline. Affected: yes.
Comment: Not observed at significant frequency in large population cohorts (gnomAD); In silico analysis supports that this missense variant has a deleterious effect on protein structure/function; Has not been previously published as pathogenic or benign to our knowledge

NM_014516.4(CNOT3):c.1939C>T (p.Pro647Ser)

Gene: CNOT3 (CCR4-NOT transcription complex subunit 3; plus strand). Cytogenetic location: 19q13.42.
Variant type: single nucleotide variant.
Coding change: c.1939C>T on transcript NM_014516.4 (MANE Select); coding-DNA position 1939, C replaced by T.
Protein change: p.Pro647Ser; replaces proline 647 with serine.
Molecular consequence: missense variant.
Genome position (GRCh38, 1-based): chr19:54,152,901, C>T. VCF-style: chr19-54152901-C-T. GRCh37 (hg19) VCF-style: chr19-54656638-C-T.
Other names: short protein forms P647S.
Identifiers: ClinVar variation 2662867 (VCV002662867.1), dbSNP rs766055133, ClinGen allele CA407770135.